The following is an entry in ClinVar:

NM_145290.4(ADGRA3):c.1223A>T (p.Asp408Val)

Gene: ADGRA3 (adhesion G protein-coupled receptor A3; minus strand). Cytogenetic location: 4p15.2.
Variant type: single nucleotide variant.
Coding change: c.1223A>T on transcript NM_145290.4 (MANE Select); coding-DNA position 1223, A replaced by T.
Protein change: p.Asp408Val; replaces aspartic acid 408 with valine.
Molecular consequence: missense variant.
Genome position (GRCh38, 1-based): chr4:22,436,504, T>A on the plus strand (A>T on the coding strand, the complement: ADGRA3 is on the minus strand). VCF-style: chr4-22436504-T-A. GRCh37 (hg19) VCF-style: chr4-22438127-T-A.
Other names: c.1223A>T (NM_145290.2); short protein forms D408V.
Identifiers: ClinVar variation 2078591 (VCV002078591.7), dbSNP rs190663255, ClinGen allele CA2874015.
Genomic context (GRCh38, chr4:22,436,504, plus strand): 5'-TTAAACATATAAAGAACTCTAGTGACATCATTTGCATACTGACAGCGAGAATAATCATCA[T>A]CTGCCCAAAAGCCACCTCTATCACATCTGCGCCAAGCTTTTCTCTCATCCTGTGGGTTTC-3'
Protein context (NP_660333.2, residues 398-418): RRCDRGGFWA[Asp408Val]DDYSRCQYAN

ClinVar aggregate classification (germline): Uncertain significance. Review status: criteria provided, multiple submitters, no conflicts (2 of 4 stars). 2 submissions from 2 submitters: Uncertain significance (2). Last evaluated 2025-10-30.

Allele frequency attached by ClinVar (database versions not stated): gnomAD 0.00001; ExAC 0.00002; gnomAD exomes 0.00002; TOPMed 0.00002; 1000 Genomes Project 30x 0.00016; 1000 Genomes Project 0.00020.
gnomAD v4.1: 23 of 1,613,160 alleles (0.0014%); highest among the groups gnomAD compares: Non-Finnish European, 0.0019%; no homozygotes.

Submissions (2):

Ambry Genetics
Classification: Uncertain significance. Last evaluated: 2025-10-30. Review status: criteria provided, single submitter. Criteria: Ambry Variant Classification Scheme 2023. Collection method: clinical testing. Allele origin: germline.

Labcorp Genetics (formerly Invitae), Labcorp
Classification: Uncertain significance. Last evaluated: 2025-04-24. Review status: criteria provided, single submitter. Criteria: Invitae Variant Classification Sherloc (09022015). Collection method: clinical testing. Allele origin: germline.
Comment: This sequence change replaces aspartic acid, which is acidic and polar, with valine, which is neutral and non-polar, at codon 408 of the ADGRA3 protein (p.Asp408Val). This variant is present in population databases (rs190663255, gnomAD 0.005%). This variant has not been reported in the literature in individuals affected with ADGRA3-related conditions. ClinVar contains an entry for this variant (Variation ID: 2078591). An algorithm developed to predict the effect of missense changes on protein structure and function (PolyPhen-2) suggests that this variant is likely to be tolerated. In summary, the available evidence is currently insufficient to determine the role of this variant in disease. Therefore, it has been classified as a Variant of Uncertain Significance.